The following is an entry in ClinVar:

ClinVar aggregate classification (germline): Conflicting classifications of pathogenicity. Review status: criteria provided, conflicting classifications (1 of 4 stars). 3 submissions from 3 submitters: Pathogenic (1); Likely pathogenic (1); Uncertain significance (1). Last evaluated 2026-03-30.

Conditions:
SCLT1-related disorder. Also called: SCLT1-related condition.

Allele frequency attached by ClinVar (database versions not stated): gnomAD 0.00002; TOPMed 0.00002; gnomAD exomes 0.00004; ExAC 0.00005; 1000 Genomes Project 30x 0.00016; 1000 Genomes Project 0.00020.
gnomAD v4.1: 65 of 1,601,852 alleles (0.0041%); highest among the groups gnomAD compares: Middle Eastern, 0.017%; no homozygotes.

Submissions (3):

PreventionGenetics, part of Exact Sciences
Classification: Uncertain significance for SCLT1-related condition. Last evaluated: 2026-03-30. Review status: criteria provided, single submitter. Criteria: ACMG Guidelines, 2015. Collection method: clinical testing. Allele origin: germline.
Comment: The SCLT1 c.1249C>T variant is predicted to result in premature protein termination (p.Arg417*). This variant was reported in an individual with inherited eye disease (Supplementary Table 1, Weisschuh et al. 2024. PubMed ID: 37734845). This variant is reported in 0.012% of alleles in individuals of African descent in gnomAD. Although we suspect that this variant may be pathogenic, at this time, the clinical significance of this variant is uncertain due to the absence of conclusive functional and genetic evidence.

Labcorp Genetics (formerly Invitae), Labcorp
Classification: Pathogenic. Last evaluated: 2025-12-20. Review status: criteria provided, single submitter. Criteria: Invitae Variant Classification Sherloc (09022015). Collection method: clinical testing. Allele origin: germline.
Comment: This sequence change creates a premature translational stop signal (p.Arg417*) in the SCLT1 gene. It is expected to result in an absent or disrupted protein product. Loss-of-function variants in SCLT1 are known to be pathogenic (PMID: 28005958). This variant is present in population databases (rs201631269, gnomAD 0.01%). This variant has not been reported in the literature in individuals affected with SCLT1-related conditions. ClinVar contains an entry for this variant (Variation ID: 2177974). Algorithms developed to predict the effect of sequence changes on RNA splicing suggest that this variant may disrupt the consensus splice site. For these reasons, this variant has been classified as Pathogenic.

Blueprint Genetics
Classification: Likely pathogenic for SCLT1-related disorders. Last evaluated: 2022-07-27. Review status: criteria provided, single submitter. Criteria: ACMG Guidelines, 2015. Collection method: clinical testing. Allele origin: germline. Affected: yes. Observed: 5 variant alleles.

Literature cited by the submitters: PubMed 28005958 (cited by Labcorp Genetics (formerly Invitae), Labcorp).

NM_144643.4(SCLT1):c.1249C>T (p.Arg417Ter)

Gene: SCLT1 (sodium channel and clathrin linker 1; minus strand). Cytogenetic location: 4q28.2.
Variant type: single nucleotide variant.
Coding change: c.1249C>T on transcript NM_144643.4 (MANE Select); coding-DNA position 1249, C replaced by T.
Protein change: p.Arg417Ter; replaces arginine 417 with a stop codon.
Molecular consequence: nonsense.
Genome position (GRCh38, 1-based): chr4:128,948,540, G>A on the plus strand (C>T on the coding strand, the complement: SCLT1 is on the minus strand). VCF-style: chr4-128948540-G-A. GRCh37 (hg19) VCF-style: chr4-129869695-G-A.
Other names: c.1249C>T, p.Arg417Ter (NM_001410807.1); c.1249C>T (NM_144643.3); short protein forms R417*.
Identifiers: ClinVar variation 2177974 (VCV002177974.6), dbSNP rs201631269, ClinGen allele CA3079681.
Genomic context (GRCh38, chr4:128,948,540, plus strand): 5'-TCCTTTTTCTTTTTACCTTTTCTAGTTCTTCTTCCACTGCTTTTTTTTCCTTAATGACTC[G>A]TTCAATTTGGCCTTGTTTTTCAGCACACTCCTATAAATTCAAGTCATATTGTAAATATAT-3'